The following is an entry in ClinVar:

ClinVar aggregate classification (germline): Uncertain significance. Review status: criteria provided, multiple submitters, no conflicts (2 of 4 stars). 3 submissions from 3 submitters: Uncertain significance (3). Last evaluated 2025-09-17.

Conditions:
CEP290-related disorder. Also called: CEP290-related disorders; CEP290-related condition. Identifiers: MedGen CN239314.
CEP290-related ciliopathy. Also called: CEP290 ciliopathy. Identifiers: MedGen CN305601, MONDO:0100451.

Allele frequency attached by ClinVar (database versions not stated): TOPMed 0.00001; gnomAD 0.00002.
gnomAD v4.1: 26 of 1,556,114 alleles (0.0017%); highest among the groups gnomAD compares: Non-Finnish European, 0.002%; no homozygotes.

Submissions (3):

PreventionGenetics, part of Exact Sciences
Classification: Uncertain significance for CEP290-related condition. Last evaluated: 2025-09-17. Review status: criteria provided, single submitter. Criteria: ACMG Guidelines, 2015. Collection method: clinical testing. Allele origin: germline.
Comment: The CEP290 c.2288T>C variant is predicted to result in the amino acid substitution p.Ile763Thr. To our knowledge, this variant has not been reported in the literature or in gnomAD, indicating this variant is rare. At this time, the clinical significance of this variant is uncertain due to the absence of conclusive functional and genetic evidence.

Victorian Clinical Genetics Services, Murdoch Childrens Research Institute
Classification: Uncertain significance for CEP290-related ciliopathy. Last evaluated: 2020-10-19. Review status: criteria provided, single submitter. Criteria: ACMG Guidelines, 2015. Collection method: clinical testing. Allele origin: germline. Inheritance: Autosomal recessive inheritance.
Comment: Based on the classification scheme VCGS_Germline_v1.3.3, this variant is classified as 3C - VUS. Following criteria are met: 0102 - Loss of function is a known mechanism of disease in this gene and is associated with CEP290-related ciliopathy (OMIM; PMID: 20690115; 32208788). (I) 0106 - This gene is associated with autosomal recessive disease. (I) 0200 - Variant is predicted to result in a missense amino acid change from isoleucine to threonine. (I) 0251 - This variant is heterozygous. (I) 0304 - Variant is present in gnomAD <0.01 for a recessive condition (v3) (3 heterozygotes, 0 homozygotes). (SP) 0309 - An alternative amino acid change at the same position has been observed in gnomAD (v3) (2 heterozygotes, 0 homozygotes). (I) 0503 - Missense variant consistently predicted to be tolerated by multiple in silico tools or not conserved in placental mammals with a minor amino acid change. (SB) 0600 - Variant is located in the annotated coiled coil region (PDB). (I) 0705 - No comparable missense variants have previous evidence for pathogenicity. (I) 0807 - This variant has no previous evidence of pathogenicity. (I) 0905 - No published segregation evidence has been identified for this variant. (I) 1007 - No published functional evidence has been identified for this variant. (I) 1208 - Inheritance information for this variant is not currently available in this individual. (I) Legend: (SP) - Supporting pathogenic, (I) - Information, (SB) - Supporting benign

Blueprint Genetics
Classification: Uncertain significance. Last evaluated: 2020-01-23. Review status: criteria provided, single submitter. Criteria: ACMG Guidelines, 2015. Collection method: clinical testing. Allele origin: germline.

Literature cited by the submitters: PubMed 20690115 (cited by Victorian Clinical Genetics Services, Murdoch Childrens Research Institute); PubMed 32208788 (cited by Victorian Clinical Genetics Services, Murdoch Childrens Research Institute).

NM_025114.4(CEP290):c.2288T>C (p.Ile763Thr)

Gene: CEP290 (centrosomal protein 290; minus strand). Cytogenetic location: 12q21.32.
Variant type: single nucleotide variant.
Coding change: c.2288T>C on transcript NM_025114.4 (MANE Select); coding-DNA position 2288, T replaced by C.
Protein change: p.Ile763Thr; replaces isoleucine 763 with threonine.
Molecular consequence: missense variant.
Genome position (GRCh38, 1-based): chr12:88,111,281, A>G on the plus strand (T>C on the coding strand, the complement: CEP290 is on the minus strand). VCF-style: chr12-88111281-A-G. GRCh37 (hg19) VCF-style: chr12-88505058-A-G.
Other names: short protein forms I763T.
Identifiers: ClinVar variation 1805651 (VCV001805651.3), dbSNP rs781177836, ClinGen allele CA241149443.